The following is an entry in ClinVar:

ClinVar aggregate classification (germline): Uncertain significance (1 of 4 stars; one submission).

Submission:

Clinical Genomics Laboratory, Washington University in St. Louis
Classification: Uncertain significance. Last evaluated: 2024-01-12. Review status: criteria provided, single submitter. Criteria: ACMG Guidelines, 2015. Collection method: clinical testing. Allele origin: germline.
Comment: The ADGRB1 c.471del (p.Arg159Glyfs*78) variant, to our knowledge, has not been reported in the medical literature and is absent from the general population (gnomAD v.2.1.1), indicating it is not a common variant. This variant causes a frameshift by deleting one nucleotide, leading to a premature termination codon, which is predicted to lead to nonsense mediated decay. Due to limited information, the clinical significance of this variant is uncertain.

NM_001702.3(ADGRB1):c.471del (p.Arg159fs)

Gene: ADGRB1 (adhesion G protein-coupled receptor B1; plus strand). Cytogenetic location: 8q24.3.
Variant type: Deletion.
Coding change: c.471del on transcript NM_001702.3 (MANE Select); coding-DNA position 471, one base deleted (G; older notation c.471delG).
Protein change: p.Arg159fs; shifts the reading frame from arginine 159.
Molecular consequence: frameshift variant.
Genome position (GRCh38, 1-based): chr8:142,464,669, G deleted; the last of 2 consecutive G bases (chr8:142,464,668-142,464,669); deleting either gives the same sequence. VCF-style (leftmost placement, unchanged base first): chr8-142464667-CG-C. GRCh37 (hg19) VCF-style: chr8-143546028-CG-C.
Other names: c.471del, p.Arg159fs (NM_001391985.1, NM_001391986.1); short protein forms R159fs.
Identifiers: ClinVar variation 3236641 (VCV003236641.1), dbSNP rs2539121839, ClinGen allele CA2825001580.